The following is an entry in ClinVar:

NM_000093.5(COL5A1):c.2386-6G>A

Gene: COL5A1 (collagen type V alpha 1 chain; plus strand). Cytogenetic location: 9q34.3.
Variant type: single nucleotide variant.
Coding change: c.2386-6G>A on transcript NM_000093.5 (MANE Select); 6 bases into the intron before coding-DNA position 2386, G replaced by A.
Molecular consequence: intron variant.
Genome position (GRCh38, 1-based): chr9:134,780,096, G>A. VCF-style: chr9-134780096-G-A. GRCh37 (hg19) VCF-style: chr9-137671942-G-A.
Other names: c.2386-6G>A (NM_001278074.1).
Identifiers: ClinVar variation 236998 (VCV000236998.17), dbSNP rs373383768, ClinGen allele CA5319317.

ClinVar aggregate classification (germline): Benign/Likely benign. Review status: criteria provided, multiple submitters, no conflicts (2 of 4 stars). 4 submissions from 4 submitters: Benign (1); Likely benign (3). Last evaluated 2026-04-07.

Conditions:
Ehlers-Danlos syndrome, classic type, 1 (EDSCL1). Also called: Ehlers-Danlos Syndrome, Classic Type, COL5A1-Related; EHLERS-DANLOS SYNDROME, GRAVIS TYPE; EHLERS-DANLOS SYNDROME, SEVERE CLASSIC TYPE; Ehlers-Danlos syndrome, type 1; EDS I. Identifiers: MedGen C0268335, MONDO:0019567, OMIM 130000.
Ehlers-Danlos syndrome, classic type (cEDS). Identifiers: Orphanet 287, MedGen C4225429, MONDO:0007522.

Allele frequency attached by ClinVar (database versions not stated): gnomAD exomes 0.00005; ESP Exome Variant Server 0.00015; TOPMed 0.00003; gnomAD 0.00003.
gnomAD v4.1: 49 of 1,613,284 alleles (0.003%); highest among the groups gnomAD compares: South Asian, 0.023%; no homozygotes.

Submissions (4):

Women's Health and Genetics/Laboratory Corporation of America, LabCorp
Classification: Benign. Last evaluated: 2026-04-07. Review status: criteria provided, single submitter. Criteria: LabCorp Variant Classification Summary - May 2015. Collection method: clinical testing. Allele origin: germline.

Labcorp Genetics (formerly Invitae), Labcorp
Classification: Likely benign for Ehlers-Danlos syndrome, classic type, 1. Last evaluated: 2024-11-08. Review status: criteria provided, single submitter. Criteria: Invitae Variant Classification Sherloc (09022015). Collection method: clinical testing. Allele origin: germline.

Illumina Laboratory Services, Illumina
Classification: Likely benign for Ehlers-Danlos syndrome, classic type, 1. Last evaluated: 2018-01-13. Review status: criteria provided, single submitter. Criteria: ICSL Variant Classification Criteria 13 December 2019. Collection method: clinical testing. Allele origin: germline.
Comment: This variant was observed in the ICSL laboratory as part of a predisposition screen in an ostensibly healthy population. It had not been previously curated by ICSL or reported in the Human Gene Mutation Database (HGMD: prior to June 1st, 2018), and was therefore a candidate for classification through an automated scoring system. Utilizing variant allele frequency, disease prevalence and penetrance estimates, and inheritance mode, an automated score was calculated to assess if this variant is too frequent to cause the disease. Based on the score and internal cut-off values, a variant classified as likely benign is not then subjected to further curation. The score for this variant resulted in a classification of likely benign for this disease.

PreventionGenetics, part of Exact Sciences
Classification: Likely benign. Review status: criteria provided, single submitter. Criteria: ACMG Guidelines, 2015. Collection method: clinical testing. Allele origin: germline.